The following is an entry in ClinVar:

NM_000260.4(MYO7A):c.3042G>A (p.Thr1014=)

Gene: MYO7A (myosin VIIA; plus strand). Cytogenetic location: 11q13.5.
Variant type: single nucleotide variant.
Coding change: c.3042G>A on transcript NM_000260.4 (MANE Select); coding-DNA position 3042, G replaced by A.
Protein change: p.Thr1014=; no amino-acid change (threonine 1014 retained).
Molecular consequence: synonymous variant.
Genome position (GRCh38, 1-based): chr11:77,182,088, G>A. VCF-style: chr11-77182088-G-A. GRCh37 (hg19) VCF-style: chr11-76893134-G-A.
Other names: c.3042G>A, p.Thr1014= (NM_001127180.2); c.3009G>A, p.Thr1003= (NM_001369365.1); c.3042G>A (NM_000260.3).
Identifiers: ClinVar variation 1126460 (VCV001126460.11), dbSNP rs111033507, ClinGen allele CA224841755.

ClinVar aggregate classification (germline): Likely benign. Review status: criteria provided, single submitter (1 of 4 stars). 2 submissions from 2 submitters: Likely benign (1). 1 of the submissions does not count toward it. Last evaluated 2025-12-24.

Conditions:
MYO7A-related disorder. Also called: MYO7A-related disorders.

gnomAD v4.1: 13 of 1,613,208 alleles (0.00081%); highest among the groups gnomAD compares: East Asian, 0.0022%; no homozygotes.

Submissions (2):

Labcorp Genetics (formerly Invitae), Labcorp
Classification: Likely benign. Last evaluated: 2025-12-24. Review status: criteria provided, single submitter. Criteria: Invitae Variant Classification Sherloc (09022015). Collection method: clinical testing. Allele origin: germline.

PreventionGenetics, part of Exact Sciences
Classification: Likely benign for MYO7A-related condition. Last evaluated: 2019-11-25. Review status: no assertion criteria provided. Collection method: clinical testing. Allele origin: germline. Not counted in ClinVar's aggregate classification.
Comment: This variant is classified as likely benign based on ACMG/AMP sequence variant interpretation guidelines (Richards et al. 2015 PMID: 25741868, with internal and published modifications).